The following is an entry in ClinVar:

NM_001348768.2(HECW2):c.400C>T (p.Pro134Ser)

Gene: HECW2 (HECT, C2 and WW domain containing E3 ubiquitin protein ligase 2; minus strand). Cytogenetic location: 2q32.3.
Variant type: single nucleotide variant.
Coding change: c.400C>T on transcript NM_001348768.2 (MANE Select); coding-DNA position 400, C replaced by T.
Protein change: p.Pro134Ser; replaces proline 134 with serine.
Molecular consequence: missense variant. On other transcripts: 5 prime UTR variant (1).
Genome position (GRCh38, 1-based): chr2:196,343,657, G>A on the plus strand (C>T on the coding strand, the complement: HECW2 is on the minus strand). VCF-style: chr2-196343657-G-A. GRCh37 (hg19) VCF-style: chr2-197208381-G-A.
Other names: c.-497C>T (NM_001304840.3); c.400C>T, p.Pro134Ser (NM_020760.4); short protein forms P134S.
Identifiers: ClinVar variation 716299 (VCV000716299.26), dbSNP rs61752169, ClinGen allele CA2038589.
Genomic context (GRCh38, chr2:196,343,657, plus strand): 5'-AATTCTGCATACTTATGCAATGTTCAATAATAAGTTTATATTTCACACTTAGTTACTTAC[G>A]TTCCATGAAATAGGGCCCAGGCTCAATTCTCCATACAATTTGCCCTTTTTGTGTTCCAGT-3'
Protein context (NP_001335697.1, residues 124-144): RIEPGPYFME[Pro134Ser]EIKICFKYYH

ClinVar aggregate classification (germline): Benign. Review status: criteria provided, multiple submitters, no conflicts (2 of 4 stars). 4 submissions from 4 submitters: Benign (3). 1 of the submissions does not count toward it. Last evaluated 2024-02-01.

Conditions:
HECW2-related disorder. Also called: HECW2-related condition.

Allele frequency attached by ClinVar (database versions not stated): gnomAD exomes 0.00135; ExAC 0.00164; gnomAD 0.00519 and 0.00554; 1000 Genomes Project 0.00559; ESP Exome Variant Server 0.00584; TOPMed 0.00586; 1000 Genomes Project 30x 0.00609.

Submissions (4):

CeGaT Center for Human Genetics Tuebingen
Classification: Benign. Last evaluated: 2024-02-01. Review status: criteria provided, single submitter. Criteria: CeGaT Center For Human Genetics Tuebingen Variant Classification Criteria Version 2. Collection method: clinical testing. Allele origin: germline. Affected: yes. Observed: 1 variant allele.
Comment: HECW2: BS1, BS2

Labcorp Genetics (formerly Invitae), Labcorp
Classification: Benign. Last evaluated: 2018-07-31. Review status: criteria provided, single submitter. Criteria: Invitae Variant Classification Sherloc (09022015). Collection method: clinical testing. Allele origin: germline.

Breakthrough Genomics
Classification: Benign. Review status: criteria provided, single submitter. Criteria: ACMG Guidelines, 2015. Collection method: not provided. Allele origin: germline. Inheritance: Autosomal dominant inheritance. Affected: yes.

PreventionGenetics, part of Exact Sciences
Classification: Benign for HECW2-related condition. Last evaluated: 2024-06-12. Review status: no assertion criteria provided. Collection method: clinical testing. Allele origin: germline. Not counted in ClinVar's aggregate classification.
Comment: This variant is classified as benign based on ACMG/AMP sequence variant interpretation guidelines (Richards et al. 2015 PMID: 25741868, with internal and published modifications).